The following is an entry in ClinVar:

ClinVar aggregate classification (germline): Uncertain significance (1 of 4 stars; one submission).

Allele frequency attached by ClinVar (database versions not stated): gnomAD exomes below 0.00001.
gnomAD v4.1: 2 of 1,613,870 alleles (0.00012%); highest among the groups gnomAD compares: Admixed American, 0.0017%; no homozygotes.

Submission:

Labcorp Genetics (formerly Invitae), Labcorp
Classification: Uncertain significance. Last evaluated: 2023-12-11. Review status: criteria provided, single submitter. Criteria: Invitae Variant Classification Sherloc (09022015). Collection method: clinical testing. Allele origin: germline.
Comment: This sequence change replaces valine, which is neutral and non-polar, with alanine, which is neutral and non-polar, at codon 1477 of the VPS13A protein (p.Val1477Ala). This variant is present in population databases (no rsID available, gnomAD 0.0009%). This variant has not been reported in the literature in individuals affected with VPS13A-related conditions. ClinVar contains an entry for this variant (Variation ID: 2146961). Algorithms developed to predict the effect of missense changes on protein structure and function output the following: SIFT: "Not Available"; PolyPhen-2: "Benign"; Align-GVGD: "Not Available". The alanine amino acid residue is found in multiple mammalian species, which suggests that this missense change does not adversely affect protein function. In summary, the available evidence is currently insufficient to determine the role of this variant in disease. Therefore, it has been classified as a Variant of Uncertain Significance.

NM_033305.3(VPS13A):c.4430T>C (p.Val1477Ala)

Gene: VPS13A (vacuolar protein sorting 13 homolog A; plus strand). Cytogenetic location: 9q21.2.
Variant type: single nucleotide variant.
Coding change: c.4430T>C on transcript NM_033305.3 (MANE Select); coding-DNA position 4430, T replaced by C.
Protein change: p.Val1477Ala; replaces valine 1477 with alanine.
Molecular consequence: missense variant.
Genome position (GRCh38, 1-based): chr9:77,315,270, T>C. VCF-style: chr9-77315270-T-C. GRCh37 (hg19) VCF-style: chr9-79930186-T-C.
Other names: c.4313T>C, p.Val1438Ala (NM_001018037.2); c.4430T>C, p.Val1477Ala (NM_001018038.3, NM_015186.4); short protein forms V1438A, V1477A.
Identifiers: ClinVar variation 2146961 (VCV002146961.4), dbSNP rs1300017246, ClinGen allele CA373855655.